The following is an entry in ClinVar:

NM_000181.4(GUSB):c.192C>T (p.Tyr64=)

Gene: GUSB (glucuronidase beta; minus strand). Cytogenetic location: 7q11.21.
Variant type: single nucleotide variant.
Coding change: c.192C>T on transcript NM_000181.4 (MANE Select); coding-DNA position 192, C replaced by T.
Protein change: p.Tyr64=; no amino-acid change (tyrosine 64 retained).
Molecular consequence: synonymous variant. On other transcripts: 5 prime UTR variant (2), non-coding transcript variant (1).
Genome position (GRCh38, 1-based): chr7:65,981,992, G>A on the plus strand (C>T on the coding strand, the complement: GUSB is on the minus strand). VCF-style: chr7-65981992-G-A. GRCh37 (hg19) VCF-style: chr7-65446979-G-A.
Other names: c.192C>T (NM_000181.3); c.192C>T, p.Tyr64= (NM_001284290.2); c.-194C>T (NM_001293104.2); c.-138C>T (NM_001293105.2).
Identifiers: ClinVar variation 2915826 (VCV002915826.5), dbSNP rs879696482, ClinGen allele CA159911078.

ClinVar aggregate classification (germline): Likely benign. Review status: criteria provided, single submitter (1 of 4 stars). 2 submissions from 2 submitters: Likely benign (1). 1 of the submissions does not count toward it. Last evaluated 2025-11-08.

Conditions:
GUSB-related disorder. Also called: GUSB-related condition.
Mucopolysaccharidosis type 7 (MPS7). Also called: BETA-GLUCURONIDASE DEFICIENCY; GUSB DEFICIENCY; MPS VII; SLY SYNDROME. Identifiers: Orphanet 584, MedGen C0085132, MONDO:0009662, OMIM 253220.

Allele frequency attached by ClinVar (database versions not stated): gnomAD 0.00001; TOPMed 0.00003.
gnomAD v4.1: 60 of 1,608,386 alleles (0.0037%); highest among the groups gnomAD compares: Non-Finnish European, 0.0049%; no homozygotes.

Submissions (2):

Labcorp Genetics (formerly Invitae), Labcorp
Classification: Likely benign for Mucopolysaccharidosis type 7. Last evaluated: 2025-11-08. Review status: criteria provided, single submitter. Criteria: Invitae Variant Classification Sherloc (09022015). Collection method: clinical testing. Allele origin: germline.

PreventionGenetics, part of Exact Sciences
Classification: Likely benign for GUSB-related condition. Last evaluated: 2021-08-01. Review status: no assertion criteria provided. Collection method: clinical testing. Allele origin: germline. Not counted in ClinVar's aggregate classification.
Comment: This variant is classified as likely benign based on ACMG/AMP sequence variant interpretation guidelines (Richards et al. 2015 PMID: 25741868, with internal and published modifications).